The following is an entry in ClinVar:

ClinVar aggregate classification (germline): Uncertain significance (1 of 4 stars; one submission).

Conditions:
Multiple endocrine neoplasia, type 1 (MEN1). Also called: MEN I; WERMER SYNDROME; Endocrine adenomatosis multiple; MEN 1; MEA I. Identifiers: Orphanet 652, MedGen C0025267, MeSH D018761, MONDO:0007540, OMIM 131100.

Submission:

All of Us Research Program, National Institutes of Health
Classification: Uncertain significance for Multiple endocrine neoplasia, type 1. Last evaluated: 2023-08-15. Review status: criteria provided, single submitter. Criteria: ACMG Guidelines, 2015. Collection method: clinical testing. Allele origin: germline. Inheritance: Autosomal dominant inheritance. Observed: 1 variant allele, 1 heterozygote.
Comment: This missense variant replaces alanine with proline at codon 158 of the MEN1 protein. Computational prediction suggests that this variant may have deleterious impact on protein structure and function (internally defined REVEL score threshold >= 0.7, PMID: 27666373). To our knowledge, functional studies have not been reported for this variant. This variant has not been reported in individuals affected with MEN1-related disorders in the literature. This variant has not been identified in the general population by the Genome Aggregation Database (gnomAD). The available evidence is insufficient to determine the role of this variant in disease conclusively. Therefore, this variant is classified as a Variant of Uncertain Significance.

This study involves interpretation of variants in research participants for the purpose of population health screening. Participant phenotype was not available at the time of variant classification. Additional details can be found in publication PMID: 35346344, PMCID: PMC8962531

NM_001370259.2(MEN1):c.472G>C (p.Ala158Pro)

Gene: MEN1 (menin 1; minus strand). Cytogenetic location: 11q13.1.
Variant type: single nucleotide variant.
Coding change: c.472G>C on transcript NM_001370259.2 (MANE Select); coding-DNA position 472, G replaced by C.
Protein change: p.Ala158Pro; replaces alanine 158 with proline.
Molecular consequence: missense variant. On other transcripts: non-coding transcript variant (4).
Genome position (GRCh38, 1-based): chr11:64,808,073, C>G on the plus strand (G>C on the coding strand, the complement: MEN1 is on the minus strand). VCF-style: chr11-64808073-C-G. GRCh37 (hg19) VCF-style: chr11-64575545-C-G.
Other names: c.487G>C, p.Ala163Pro (NM_000244.4, NM_001407145.1, NM_001407150.1 and 5 more transcripts); c.472G>C, p.Ala158Pro (NM_001370251.2, NM_001370260.2, NM_001370261.2 and 12 more transcripts); short protein forms A158P, A163P.
Identifiers: ClinVar variation 3072859 (VCV003072859.1), dbSNP rs1421808873, ClinGen allele CA381186220.